The following is an entry in ClinVar:

NM_001129.5(AEBP1):c.2731G>C (p.Val911Leu)

Gene: AEBP1 (AE binding protein 1; plus strand). Cytogenetic location: 7p13.
Variant type: single nucleotide variant.
Coding change: c.2731G>C on transcript NM_001129.5 (MANE Select); coding-DNA position 2731, G replaced by C.
Protein change: p.Val911Leu; replaces valine 911 with leucine.
Molecular consequence: missense variant.
Genome position (GRCh38, 1-based): chr7:44,113,273, G>C. VCF-style: chr7-44113273-G-C. GRCh37 (hg19) VCF-style: chr7-44152872-G-C.
Other names: short protein forms V911L.
Identifiers: ClinVar variation 1907390 (VCV001907390.4), dbSNP rs774458916, ClinGen allele CA4238305.

ClinVar aggregate classification (germline): Uncertain significance (1 of 4 stars; one submission).

Allele frequency attached by ClinVar (database versions not stated): ExAC 0.00001; gnomAD 0.00001; TOPMed 0.00001.
gnomAD v4.1: 10 of 1,613,750 alleles (0.00062%); highest among the groups gnomAD compares: Non-Finnish European, 0.00085%; no homozygotes.

Submission:

Labcorp Genetics (formerly Invitae), Labcorp
Classification: Uncertain significance. Last evaluated: 2024-08-27. Review status: criteria provided, single submitter. Criteria: Invitae Variant Classification Sherloc (09022015). Collection method: clinical testing. Allele origin: germline.
Comment: This sequence change replaces valine, which is neutral and non-polar, with leucine, which is neutral and non-polar, at codon 911 of the AEBP1 protein (p.Val911Leu). This variant is present in population databases (rs774458916, gnomAD 0.002%). This variant has not been reported in the literature in individuals affected with AEBP1-related conditions. ClinVar contains an entry for this variant (Variation ID: 1907390). An algorithm developed to predict the effect of missense changes on protein structure and function (PolyPhen-2) suggests that this variant¬†is likely to be tolerated. In summary, the available evidence is currently insufficient to determine the role of this variant in disease. Therefore, it has been classified as a Variant of Uncertain Significance.